The following is an entry in ClinVar:

NM_001354768.3(NRL):c.556G>A (p.Gly186Arg)

Genes: NRL (neural retina leucine zipper; minus strand), LOC130055387 (ATAC-STARR-seq lymphoblastoid silent region 5620; plus strand). Cytogenetic location: 14q11.2.
Variant type: single nucleotide variant.
Coding change: c.556G>A on transcript NM_001354768.3 (MANE Select); coding-DNA position 556, G replaced by A.
Protein change: p.Gly186Arg; replaces glycine 186 with arginine.
Molecular consequence: missense variant.
Genome position (GRCh38, 1-based): chr14:24,081,394, C>T on the plus strand (G>A on the coding strand, the complement: NRL is on the minus strand). VCF-style: chr14-24081394-C-T. GRCh37 (hg19) VCF-style: chr14-24550603-C-T.
Other names: c.556G>A, p.Gly186Arg (NM_001354769.1, NM_006177.5); c.241G>A, p.Gly81Arg (NM_001354770.2); c.556G>A (NM_006177.3); short protein forms G186R, G81R.
Identifiers: ClinVar variation 1348715 (VCV001348715.8), dbSNP rs1455172842, ClinGen allele CA389277487.
Genomic context (GRCh38, chr14:24,081,394, plus strand): 5'-CCACCTCGGCCCGCAGCGCGTCCAGCTGGGCGGCCAGGCGGGCGCGCTCGGCCTCCAGCC[C>T]GCGCCGCTGCTGCAGCCGCTTGGAGCGACAGGCCTGCGCGTAGCCGCGGTTCTTCAGCGT-3'
Protein context (NP_001341697.1, residues 176-196): CRSKRLQQRR[Gly186Arg]LEAERARLAA

ClinVar aggregate classification (germline): Uncertain significance. Review status: criteria provided, multiple submitters, no conflicts (2 of 4 stars). 3 submissions from 3 submitters: Uncertain significance (3). Last evaluated 2026-01-09.

Conditions:
Inborn genetic diseases. Identifiers: MedGen C0950123, MeSH D030342.

gnomAD v4.1: 2 of 1,479,842 alleles (0.00014%); highest among the groups gnomAD compares: Non-Finnish European, 0.00018%; no homozygotes.

Submissions (3):

Ambry Genetics
Classification: Uncertain significance for Inborn genetic diseases. Last evaluated: 2026-01-09. Review status: criteria provided, single submitter. Criteria: Ambry Variant Classification Scheme 2023. Collection method: clinical testing. Allele origin: germline.

Blueprint Genetics
Classification: Uncertain significance. Last evaluated: 2024-01-23. Review status: criteria provided, single submitter. Criteria: ACMG Guidelines, 2015. Collection method: clinical testing. Allele origin: germline.

Labcorp Genetics (formerly Invitae), Labcorp
Classification: Uncertain significance. Last evaluated: 2022-02-24. Review status: criteria provided, single submitter. Criteria: Invitae Variant Classification Sherloc (09022015). Collection method: clinical testing. Allele origin: germline.
Comment: Algorithms developed to predict the effect of missense changes on protein structure and function are either unavailable or do not agree on the potential impact of this missense change (SIFT: "Tolerated"; PolyPhen-2: "Probably Damaging"; Align-GVGD: "Class C0"). This variant has not been reported in the literature in individuals affected with NRL-related conditions. This variant is not present in population databases (gnomAD no frequency). This sequence change replaces glycine, which is neutral and non-polar, with arginine, which is basic and polar, at codon 186 of the NRL protein (p.Gly186Arg). In summary, the available evidence is currently insufficient to determine the role of this variant in disease. Therefore, it has been classified as a Variant of Uncertain Significance.